The following is an entry in ClinVar:

ClinVar aggregate classification (germline): Uncertain significance (1 of 4 stars; one submission).

Conditions:
Inborn genetic diseases. Identifiers: MedGen C0950123, MeSH D030342.

Submission:

Ambry Genetics
Classification: Uncertain significance for Inborn genetic diseases. Last evaluated: 2025-08-22. Review status: criteria provided, single submitter. Criteria: Ambry Variant Classification Scheme 2023. Collection method: clinical testing. Allele origin: germline.
Comment: The p.V541M variant (also known as c.1621G>A), located in coding exon 1 of the SAMD9 gene, results from a G to A substitution at nucleotide position 1621. The valine at codon 541 is replaced by methionine, an amino acid with highly similar properties. This amino acid position is conserved. In addition, this alteration is predicted to be tolerated by in silico analysis. Based on the available evidence, the clinical significance of this variant remains unclear.

NM_017654.4(SAMD9):c.1621G>A (p.Val541Met)

Gene: SAMD9 (sterile alpha motif domain containing 9; minus strand). Cytogenetic location: 7q21.2.
Variant type: single nucleotide variant.
Coding change: c.1621G>A on transcript NM_017654.4 (MANE Select); coding-DNA position 1621, G replaced by A.
Protein change: p.Val541Met; replaces valine 541 with methionine.
Molecular consequence: missense variant.
Genome position (GRCh38, 1-based): chr7:93,104,477, C>T on the plus strand (G>A on the coding strand, the complement: SAMD9 is on the minus strand). VCF-style: chr7-93104477-C-T. GRCh37 (hg19) VCF-style: chr7-92733790-C-T.
Other names: c.1621G>A, p.Val541Met (NM_001193307.2); short protein forms V541M.
Identifiers: ClinVar variation 4159171 (VCV004159171.1).
Genomic context (GRCh38, chr7:93,104,477, plus strand): 5'-AGAAAGTCTCAATGAGGGGATCTCTTGGGTCATCCACAGAGGACAGTAATAGAAATACCA[C>T]CAAAAACTTCCCTCTTGGCATTATGTCTTCATGTGTAAGAAATGAAATCAGTTTCCTGAC-3'
Protein context (NP_060124.2, residues 531-551): EDIMPRGKFL[Val541Met]VFLLLSSVDD